The following is an entry in ClinVar:

ClinVar aggregate classification (germline): Uncertain significance (1 of 4 stars; one submission).

Conditions:
Infantile spasms. Also called: Infantile spasm. Identifiers: MedGen C3887898, HP:0012469.

gnomAD v4.1: 1 of 1,614,080 alleles (0.000062%); highest among the groups gnomAD compares: Non-Finnish European, 0.000085%; no homozygotes.

Submission:

Labcorp Genetics (formerly Invitae), Labcorp
Classification: Uncertain significance for Infantile spasms. Last evaluated: 2023-10-17. Review status: criteria provided, single submitter. Criteria: Invitae Variant Classification Sherloc (09022015). Collection method: clinical testing. Allele origin: germline.
Comment: This sequence change replaces aspartic acid, which is acidic and polar, with valine, which is neutral and non-polar, at codon 442 of the PIK3AP1 protein (p.Asp442Val). This variant is not present in population databases (gnomAD no frequency). This variant has not been reported in the literature in individuals affected with PIK3AP1-related conditions. An algorithm developed to predict the effect of missense changes on protein structure and function (PolyPhen-2) suggests that this variant is likely to be disruptive. In summary, the available evidence is currently insufficient to determine the role of this variant in disease. Therefore, it has been classified as a Variant of Uncertain Significance.

NM_152309.3(PIK3AP1):c.1325A>T (p.Asp442Val)

Genes: PIK3AP1 (phosphoinositide-3-kinase adaptor protein 1; minus strand), LOC130004439 (ATAC-STARR-seq lymphoblastoid active region 3829; plus strand). Cytogenetic location: 10q24.1.
Variant type: single nucleotide variant.
Coding change: c.1325A>T on transcript NM_152309.3 (MANE Select); coding-DNA position 1325, A replaced by T.
Protein change: p.Asp442Val; replaces aspartic acid 442 with valine.
Molecular consequence: missense variant.
Genome position (GRCh38, 1-based): chr10:96,645,523, T>A on the plus strand (A>T on the coding strand, the complement: PIK3AP1 is on the minus strand). VCF-style: chr10-96645523-T-A. GRCh37 (hg19) VCF-style: chr10-98405280-T-A.
Other names: short protein forms D442V.
Identifiers: ClinVar variation 2769257 (VCV002769257.3), dbSNP rs1416029799, ClinGen allele CA377744246.